The following is an entry in ClinVar:

NM_001082971.2(DDC):c.793G>A (p.Asp265Asn)

Gene: DDC (dopa decarboxylase; minus strand). Cytogenetic location: 7p12.2.
Variant type: single nucleotide variant.
Coding change: c.793G>A on transcript NM_001082971.2 (MANE Select); coding-DNA position 793, G replaced by A.
Protein change: p.Asp265Asn; replaces aspartic acid 265 with asparagine.
Molecular consequence: missense variant.
Genome position (GRCh38, 1-based): chr7:50,499,231, C>T on the plus strand (G>A on the coding strand, the complement: DDC is on the minus strand). VCF-style: chr7-50499231-C-T. GRCh37 (hg19) VCF-style: chr7-50566929-C-T.
Other names: c.793G>A, p.Asp265Asn (NM_000790.4, NM_001242890.2); c.679G>A, p.Asp227Asn (NM_001242886.2); c.649G>A, p.Asp217Asn (NM_001242887.2); c.559G>A, p.Asp187Asn (NM_001242888.2); c.514G>A, p.Asp172Asn (NM_001242889.2); short protein forms D187N, D227N, D265N, D172N, D217N.
Identifiers: ClinVar variation 2090274 (VCV002090274.3), dbSNP rs1303397159, ClinGen allele CA367538376.

ClinVar aggregate classification (germline): Uncertain significance (1 of 4 stars; one submission).

Conditions:
Deficiency of aromatic-L-amino-acid decarboxylase. Also called: Aromatic amino acid decarboxylase deficiency; Aromatic L-Amino Acid Decarboxylase Deficiency; AADC DEFICIENCY; DDC DEFICIENCY; DOPA DECARBOXYLASE DEFICIENCY. Identifiers: Orphanet 35708, MedGen C1291564, MONDO:0012084, OMIM 608643.

Allele frequency attached by ClinVar (database versions not stated): TOPMed below 0.00001; gnomAD 0.00001; gnomAD exomes 0.00001.
gnomAD v4.1: 7 of 1,612,946 alleles (0.00043%); highest among the groups gnomAD compares: Admixed American, 0.0017%; no homozygotes.

Submission:

Labcorp Genetics (formerly Invitae), Labcorp
Classification: Uncertain significance for Deficiency of aromatic-L-amino-acid decarboxylase. Last evaluated: 2024-06-03. Review status: criteria provided, single submitter. Criteria: Invitae Variant Classification Sherloc (09022015). Collection method: clinical testing. Allele origin: germline.
Comment: This sequence change replaces aspartic acid, which is acidic and polar, with asparagine, which is neutral and polar, at codon 265 of the DDC protein (p.Asp265Asn). This variant is not present in population databases (gnomAD no frequency). This variant has not been reported in the literature in individuals affected with DDC-related conditions. ClinVar contains an entry for this variant (Variation ID: 2090274). Advanced modeling of protein sequence and biophysical properties (such as structural, functional, and spatial information, amino acid conservation, physicochemical variation, residue mobility, and thermodynamic stability) performed at Invitae indicates that this missense variant is not expected to disrupt DDC protein function with a negative predictive value of 80%. In summary, the available evidence is currently insufficient to determine the role of this variant in disease. Therefore, it has been classified as a Variant of Uncertain Significance.